The following is an entry in ClinVar:

ClinVar aggregate classification (germline): Uncertain significance. Review status: criteria provided, multiple submitters, no conflicts (2 of 4 stars). 2 submissions from 2 submitters: Uncertain significance (2). Last evaluated 2025-04-29.

Allele frequency attached by ClinVar (database versions not stated): gnomAD exomes 0.00001; ExAC 0.00002; gnomAD 0.00003; TOPMed 0.00004.
gnomAD v4.1: 19 of 1,613,618 alleles (0.0012%); highest among the groups gnomAD compares: Middle Eastern, 0.017%; no homozygotes.

Submissions (2):

Mayo Clinic Laboratories, Mayo Clinic
Classification: Uncertain significance. Last evaluated: 2025-04-29. Review status: criteria provided, single submitter. Criteria: ACMG Guidelines, 2015. Collection method: clinical testing. Allele origin: germline. Observed: 1 variant allele.

Labcorp Genetics (formerly Invitae), Labcorp
Classification: Uncertain significance. Last evaluated: 2023-01-14. Review status: criteria provided, single submitter. Criteria: Invitae Variant Classification Sherloc (09022015). Collection method: clinical testing. Allele origin: germline.
Comment: This sequence change replaces proline, which is neutral and non-polar, with leucine, which is neutral and non-polar, at codon 1297 of the ERBB4 protein (p.Pro1297Leu). This variant is present in population databases (rs751834116, gnomAD 0.01%). In summary, the available evidence is currently insufficient to determine the role of this variant in disease. Therefore, it has been classified as a Variant of Uncertain Significance. Algorithms developed to predict the effect of missense changes on protein structure and function are either unavailable or do not agree on the potential impact of this missense change (SIFT: "Deleterious"; PolyPhen-2: "Probably Damaging"; Align-GVGD: "Class C0"). This variant has not been reported in the literature in individuals affected with ERBB4-related conditions.

NM_005235.3(ERBB4):c.3890C>T (p.Pro1297Leu)

Gene: ERBB4 (erb-b2 receptor tyrosine kinase 4; minus strand). Cytogenetic location: 2q34.
Variant type: single nucleotide variant.
Coding change: c.3890C>T on transcript NM_005235.3 (MANE Select); coding-DNA position 3890, C replaced by T.
Protein change: p.Pro1297Leu; replaces proline 1297 with leucine.
Molecular consequence: missense variant.
Genome position (GRCh38, 1-based): chr2:211,383,652, G>A on the plus strand (C>T on the coding strand, the complement: ERBB4 is on the minus strand). VCF-style: chr2-211383652-G-A. GRCh37 (hg19) VCF-style: chr2-212248377-G-A.
Other names: p.Pro1297Leu; c.3842C>T, p.Pro1281Leu (NM_001042599.2); short protein forms P1281L, P1297L.
Identifiers: ClinVar variation 2896697 (VCV002896697.4), dbSNP rs751834116, ClinGen allele CA2087346.